The following is an entry in ClinVar:

NM_005477.3(HCN4):c.152G>A (p.Arg51Gln)

Gene: HCN4 (hyperpolarization activated cyclic nucleotide gated potassium channel 4; minus strand). Cytogenetic location: 15q24.1.
Variant type: single nucleotide variant.
Coding change: c.152G>A on transcript NM_005477.3 (MANE Select); coding-DNA position 152, G replaced by A.
Protein change: p.Arg51Gln; replaces arginine 51 with glutamine.
Molecular consequence: missense variant.
Genome position (GRCh38, 1-based): chr15:73,368,119, C>T on the plus strand (G>A on the coding strand, the complement: HCN4 is on the minus strand). VCF-style: chr15-73368119-C-T. GRCh37 (hg19) VCF-style: chr15-73660460-C-T.
Other names: short protein forms R51Q.
Identifiers: ClinVar variation 834803 (VCV000834803.12), dbSNP rs1425211418, ClinGen allele CA393098867.

ClinVar aggregate classification (germline): Uncertain significance. Review status: criteria provided, multiple submitters, no conflicts (2 of 4 stars). 3 submissions from 3 submitters: Uncertain significance (3). Last evaluated 2025-08-16.

Conditions:
HCN4-related disorder. Also called: HCN4-related condition.
Cardiovascular phenotype. Identifiers: MedGen CN230736.
Brugada syndrome 8 (BRGDA8). Identifiers: Orphanet 130, MedGen C2751083, MONDO:0013148, OMIM 613123.

Allele frequency attached by ClinVar (database versions not stated): gnomAD exomes below 0.00001; gnomAD 0.00001 and 0.00002; TOPMed 0.00003.
gnomAD v4.1: 7 of 1,508,514 alleles (0.00046%); highest among the groups gnomAD compares: Admixed American, 0.0083%; no homozygotes.

Submissions (3):

Labcorp Genetics (formerly Invitae), Labcorp
Classification: Uncertain significance for Brugada syndrome 8. Last evaluated: 2025-08-16. Review status: criteria provided, single submitter. Criteria: Invitae Variant Classification Sherloc (09022015). Collection method: clinical testing. Allele origin: germline.
Comment: This sequence change replaces arginine, which is basic and polar, with glutamine, which is neutral and polar, at codon 51 of the HCN4 protein (p.Arg51Gln). This variant is not present in population databases (gnomAD no frequency). This variant has not been reported in the literature in individuals affected with HCN4-related conditions. ClinVar contains an entry for this variant (Variation ID: 834803). Invitae Evidence Modeling of protein sequence and biophysical properties (such as structural, functional, and spatial information, amino acid conservation, physicochemical variation, residue mobility, and thermodynamic stability) indicates that this missense variant is not expected to disrupt HCN4 protein function with a negative predictive value of 95%. In summary, the available evidence is currently insufficient to determine the role of this variant in disease. Therefore, it has been classified as a Variant of Uncertain Significance.

PreventionGenetics, part of Exact Sciences
Classification: Uncertain significance for HCN4-related condition. Last evaluated: 2024-11-13. Review status: criteria provided, single submitter. Criteria: ACMG Guidelines, 2015. Collection method: clinical testing. Allele origin: germline.
Comment: The HCN4 c.152G>A variant is predicted to result in the amino acid substitution p.Arg51Gln. This variant has been reported as a variant of uncertain significance in two siblings with cardiac laminopathies; however, both siblings also carried a pathogenic frameshift LMNA variant explaining the clinical features (Table S2, Guevara-Ramírez et al. 2023. PubMed ID: 37025686). This variant has not been reported in a large population database (gnomAD), indicating this variant is rare. At this time, the clinical significance of this variant is uncertain due to the absence of conclusive functional and genetic evidence.

Ambry Genetics
Classification: Uncertain significance for Cardiovascular phenotype. Last evaluated: 2022-04-19. Review status: criteria provided, single submitter. Criteria: Ambry Variant Classification Scheme 2023. Collection method: clinical testing. Allele origin: germline.
Comment: The p.R51Q variant (also known as c.152G>A), located in coding exon 1 of the HCN4 gene, results from a G to A substitution at nucleotide position 152. The arginine at codon 51 is replaced by glutamine, an amino acid with highly similar properties. This amino acid position is conserved. In addition, the in silico prediction for this alteration is inconclusive. Since supporting evidence is limited at this time, the clinical significance of this alteration remains unclear.